The following is an entry in ClinVar:

ClinVar aggregate classification (germline): Benign/Likely benign. Review status: criteria provided, multiple submitters, no conflicts (2 of 4 stars). 10 submissions from 10 submitters: Benign (5); Likely benign (2). 3 of the submissions do not count toward it. Last evaluated 2026-02-02.

Conditions:
Zellweger spectrum disorders (ZS). Also called: Zellweger Spectrum Disorder; Zellweger Spectrum; Zellweger Spectrum Disorder (ZSD); Zellweger syndrome. Identifiers: Orphanet 912, MedGen C0043459, MONDO:0019609.
Peroxisome biogenesis disorder 1A (Zellweger) (PBD1A). Also called: Zellweger leukodystrophy; Peroxisome biogenesis disorder 1a. Identifiers: MedGen C4721541, MONDO:0008953, OMIM 214100.

Allele frequency attached by ClinVar (database versions not stated): 1000 Genomes Project 30x 0.00562; 1000 Genomes Project 0.00579; TOPMed 0.00848; ESP Exome Variant Server 0.00946.
gnomAD v4.1: 2,262 of 1,613,242 alleles (0.14%); highest among the groups gnomAD compares: African/African-American, 2.7%; 25 homozygotes.

Submissions (10):

Labcorp Genetics (formerly Invitae), Labcorp
Classification: Benign for Zellweger spectrum disorders. Last evaluated: 2026-02-02. Review status: criteria provided, single submitter. Criteria: Invitae Variant Classification Sherloc (09022015). Collection method: clinical testing. Allele origin: germline.

Mayo Clinic Laboratories, Mayo Clinic
Classification: Benign. Last evaluated: 2024-10-18. Review status: criteria provided, single submitter. Criteria: ACMG Guidelines, 2015. Collection method: clinical testing. Allele origin: germline. Observed: 8 variant alleles.
Comment: BS1, BS2, BP4

ARUP Laboratories, Molecular Genetics and Genomics, ARUP Laboratories
Classification: Benign. Last evaluated: 2024-10-11. Review status: criteria provided, single submitter. Criteria: ARUP Molecular Germline Variant Investigation Process 2024. Collection method: clinical testing. Allele origin: germline.

Illumina Laboratory Services, Illumina
Classification: Benign for Peroxisome biogenesis disorder 1A (Zellweger). Last evaluated: 2018-01-13. Review status: criteria provided, single submitter. Criteria: ICSL Variant Classification Criteria 13 December 2019. Collection method: clinical testing. Allele origin: germline.
Comment: This variant was observed in the ICSL laboratory as part of a predisposition screen in an ostensibly healthy population. It had not been previously curated by ICSL or reported in the Human Gene Mutation Database (HGMD: prior to June 1st, 2018), and was therefore a candidate for classification through an automated scoring system. Utilizing variant allele frequency, disease prevalence and penetrance estimates, and inheritance mode, an automated score was calculated to assess if this variant is too frequent to cause the disease. Based on the score and internal cut-off values, a variant classified as benign is not then subjected to further curation. The score for this variant resulted in a classification of benign for this disease.

Eurofins Ntd Llc (ga)
Classification: Benign. Last evaluated: 2016-03-29. Review status: criteria provided, single submitter. Criteria: EGL Classification Definitions 2015. Collection method: clinical testing. Allele origin: germline. Observed: 1 variant allele, 1 heterozygote.

Center for Pediatric Genomic Medicine, Children's Mercy Hospital and Clinics
Classification: Likely benign. Last evaluated: 2015-11-23. Review status: criteria provided, single submitter. Criteria: ACMG Guidelines, 2015. Collection method: clinical testing. Allele origin: germline.
ClinVar note: Converted during submission from Likely Benign to Likely benign.

Breakthrough Genomics
Classification: Likely benign. Review status: criteria provided, single submitter. Criteria: ACMG Guidelines, 2015. Collection method: not provided. Allele origin: germline. Inheritance: Autosomal recessive inheritance. Affected: yes.

Natera, Inc.
Classification: Benign for Zellweger syndrome. Last evaluated: 2017-06-30. Review status: no assertion criteria provided. Collection method: clinical testing. Allele origin: germline. Not counted in ClinVar's aggregate classification.

Clinical Genetics DNA and cytogenetics Diagnostics Lab, Erasmus MC, Erasmus Medical Center
Classification: Benign. Review status: no assertion criteria provided. Collection method: clinical testing. Allele origin: germline. Affected: yes. Study: VKGL Data-share Consensus. Not counted in ClinVar's aggregate classification.

Clinical Genetics, Academic Medical Center
Classification: Benign. Review status: no assertion criteria provided. Collection method: clinical testing. Allele origin: germline. Affected: yes. Study: VKGL Data-share Consensus. Not counted in ClinVar's aggregate classification.

NM_000466.3(PEX1):c.1142C>A (p.Ala381Asp)

Gene: PEX1 (peroxisomal biogenesis factor 1; minus strand). Cytogenetic location: 7q21.2.
Variant type: single nucleotide variant.
Coding change: c.1142C>A on transcript NM_000466.3 (MANE Select); coding-DNA position 1142, C replaced by A.
Protein change: p.Ala381Asp; replaces alanine 381 with aspartic acid.
Molecular consequence: missense variant.
Genome position (GRCh38, 1-based): chr7:92,517,373, G>T on the plus strand (C>A on the coding strand, the complement: PEX1 is on the minus strand). VCF-style: chr7-92517373-G-T. GRCh37 (hg19) VCF-style: chr7-92146687-G-T.
Other names: p.Ala381Asp; c.1142C>A, p.Ala381Asp (NM_001282677.2); c.518C>A, p.Ala173Asp (NM_001282678.2); short protein forms A381D, A173D.
Identifiers: ClinVar variation 235320 (VCV000235320.30), dbSNP rs73404416, ClinGen allele CA4341481.